The following is an entry in ClinVar:

NM_000051.4(ATM):c.1370G>C (p.Arg457Pro)

Gene: ATM (ATM serine/threonine kinase; plus strand). Cytogenetic location: 11q22.3.
Variant type: single nucleotide variant.
Coding change: c.1370G>C on transcript NM_000051.4 (MANE Select); coding-DNA position 1370, G replaced by C.
Protein change: p.Arg457Pro; replaces arginine 457 with proline.
Molecular consequence: missense variant.
Genome position (GRCh38, 1-based): chr11:108,250,835, G>C. VCF-style: chr11-108250835-G-C. GRCh37 (hg19) VCF-style: chr11-108121562-G-C.
Other names: c.1370G>C, p.Arg457Pro (NM_001351834.2); short protein forms R457P.
Identifiers: ClinVar variation 1721854 (VCV001721854.3), dbSNP rs780097986, ClinGen allele CA382533831.

ClinVar aggregate classification (germline): Uncertain significance (1 of 4 stars; one submission).

Conditions:
Ataxia-telangiectasia syndrome (AT). Also called: Ataxia-telangiectasia, complementation group D; Ataxia telangiectasia (A-T); ATAXIA-TELANGIECTASIA, COMPLEMENTATION GROUP A; LOUIS-BAR SYNDROME; Cerebello-oculocutaneous telangiectasia; Immunodeficiency with ataxia telangiectasia. Identifiers: Orphanet 100, MedGen C0004135, MONDO:0008840, OMIM 208900.

Submission:

Labcorp Genetics (formerly Invitae), Labcorp
Classification: Uncertain significance for Ataxia-telangiectasia syndrome. Last evaluated: 2022-10-19. Review status: criteria provided, single submitter. Criteria: Invitae Variant Classification Sherloc (09022015). Collection method: clinical testing. Allele origin: germline.
Comment: This sequence change replaces arginine, which is basic and polar, with proline, which is neutral and non-polar, at codon 457 of the ATM protein (p.Arg457Pro). This variant is not present in population databases (gnomAD no frequency). This variant has not been reported in the literature in individuals affected with ATM-related conditions. Algorithms developed to predict the effect of missense changes on protein structure and function are either unavailable or do not agree on the potential impact of this missense change (SIFT: "Tolerated"; PolyPhen-2: "Possibly Damaging"; Align-GVGD: "Class C0"). In summary, the available evidence is currently insufficient to determine the role of this variant in disease. Therefore, it has been classified as a Variant of Uncertain Significance.